The following is an entry in ClinVar:

NM_000330.4(RS1):c.310A>C (p.Asn104His)

Genes: CDKL5 (cyclin dependent kinase like 5; plus strand), RS1 (retinoschisin 1; minus strand). Cytogenetic location: Xp22.13.
Variant type: single nucleotide variant.
Coding change: c.310A>C on transcript NM_000330.4 (MANE Select); coding-DNA position 310, A replaced by C.
Protein change: p.Asn104His; replaces asparagine 104 with histidine.
Molecular consequence: missense variant. On other transcripts: intron variant (2).
Genome position (GRCh38, 1-based): chrX:18,647,207, T>G on the plus strand (A>C on the coding strand, the complement: RS1 is on the minus strand). VCF-style: chrX-18647207-T-G. GRCh37 (hg19) VCF-style: chrX-18665327-T-G.
Other names: c.2797+1117T>G (NM_003159.3, NM_001037343.2); short protein forms N104H.
Identifiers: ClinVar variation 3902453 (VCV003902453.1).

ClinVar aggregate classification (germline): Uncertain significance (1 of 4 stars; one submission).

Submission:

Women's Health and Genetics/Laboratory Corporation of America, LabCorp
Classification: Uncertain significance. Last evaluated: 2025-05-06. Review status: criteria provided, single submitter. Criteria: LabCorp Variant Classification Summary - May 2015. Collection method: clinical testing. Allele origin: germline.
Comment: Variant summary: RS1 c.310A>C (p.Asn104His) results in a conservative amino acid change in the encoded protein sequence. Algorithms developed to predict the effect of missense changes on protein structure and function are either unavailable or do not agree on the potential impact of this missense change. The variant was absent in 183293 control chromosomes. The available data on variant occurrences in the general population are insufficient to allow any conclusion about variant significance. To our knowledge, no occurrence of c.310A>C in individuals affected with Juvenile Retinoschisis and no experimental evidence demonstrating its impact on protein function have been reported. No submitters have cited clinical-significance assessments for this variant to ClinVar. Based on the evidence outlined above, the variant was classified as uncertain significance.